The following is an entry in ClinVar:

NM_018941.4(CLN8):c.23G>T (p.Gly8Val)

Gene: CLN8 (CLN8 transmembrane ER and ERGIC protein; plus strand). Cytogenetic location: 8p23.3.
Variant type: single nucleotide variant.
Coding change: c.23G>T on transcript NM_018941.4 (MANE Select); coding-DNA position 23, G replaced by T.
Protein change: p.Gly8Val; replaces glycine 8 with valine.
Molecular consequence: missense variant.
Genome position (GRCh38, 1-based): chr8:1,771,077, G>T. VCF-style: chr8-1771077-G-T. GRCh37 (hg19) VCF-style: chr8-1719243-G-T.
Other names: short protein forms G8V.
Identifiers: ClinVar variation 1508007 (VCV001508007.8), dbSNP rs781017885, ClinGen allele CA4599177.
Genomic context (GRCh38, chr8:1,771,077, plus strand): 5'-GTTGGCCCCAGGACTCCTTTGGAATATAGCTGTGGACAATGAATCCTGCGAGCGATGGGG[G>T]CACATCAGAGAGCATTTTTGACCTGGACTATGCATCCTGGGGGATCCGCTCCACGCTGAT-3'
Protein context (NP_061764.2, residues 1-18): MNPASDG[Gly8Val]TSESIFDLDY

ClinVar aggregate classification (germline): Uncertain significance (1 of 4 stars; one submission).

Conditions:
Neuronal ceroid lipofuscinosis. Also called: Neuronal Ceroid Lipofuscinoses. Identifiers: Orphanet 216, Orphanet 79263, MedGen C0027877, MONDO:0016295. Disease mechanism: loss of function.

Allele frequency attached by ClinVar (database versions not stated): gnomAD exomes below 0.00001; ExAC 0.00001.
gnomAD v4.1: 1 of 1,614,034 alleles (0.000062%); highest among the groups gnomAD compares: Non-Finnish European, 0.000085%; no homozygotes.

Submission:

Labcorp Genetics (formerly Invitae), Labcorp
Classification: Uncertain significance for Neuronal ceroid lipofuscinosis. Last evaluated: 2021-02-06. Review status: criteria provided, single submitter. Criteria: Invitae Variant Classification Sherloc (09022015). Collection method: clinical testing. Allele origin: germline.
Comment: This variant is present in population databases (rs781017885, ExAC 0.001%). This sequence change replaces glycine with valine at codon 8 of the CLN8 protein (p.Gly8Val). The glycine residue is moderately conserved and there is a moderate physicochemical difference between glycine and valine. This variant has not been reported in the literature in individuals with CLN8-related conditions. In summary, the available evidence is currently insufficient to determine the role of this variant in disease. Therefore, it has been classified as a Variant of Uncertain Significance. Advanced modeling of protein sequence and biophysical properties (such as structural, functional, and spatial information, amino acid conservation, physicochemical variation, residue mobility, and thermodynamic stability) performed at Invitae indicates that this missense variant is not expected to disrupt CLN8 protein function.